The following is an entry in ClinVar:

ClinVar aggregate classification (germline): Pathogenic (1 of 4 stars; one submission).

Conditions:
Intellectual developmental disorder 62. Also called: MENTAL RETARDATION, AUTOSOMAL DOMINANT 62; INTELLECTUAL DEVELOPMENTAL DISORDER, AUTOSOMAL DOMINANT 62. Identifiers: MedGen C5394083, MONDO:0032919, OMIM 618793.

Submission:

Illumina Laboratory Services, Illumina
Classification: Pathogenic for Intellectual developmental disorder 62. Last evaluated: 2023-02-15. Review status: criteria provided, single submitter. Criteria: ICSLVariantClassificationCriteria RUGD 01 April 2020. Collection method: clinical testing. Allele origin: unknown.
Comment: The DLG4 c.1825dup (p.Thr609AsnfsTer9) variant results in the duplication of a nucleotide at position c.1825, causing a shift in the protein reading frame that is predicted to result in premature termination of the protein. Loss of normal protein function through either protein truncation or nonsense-mediated mRNA decay is expected. To our knowledge, this variant has not been reported in the peer-reviewed literature. Other similar truncating variants in this gene have been reported in multiple patients in the literature (PMID: 33597769). This variant is not found in version 2.1.1 or version 3.1.2 of the Genome Aggregation Database. This variant was identified in a de novo state. Based on the available evidence the c.1825dup (p.Thr609AsnfsTer9) variant is classified as pathogenic for intellectual developmental disorder.

Literature cited by the submitters: PubMed 33597769.

NM_001321075.3(DLG4):c.1696dup (p.Thr566fs)

Gene: DLG4 (discs large MAGUK scaffold protein 4; minus strand). Cytogenetic location: 17p13.1.
Variant type: Duplication.
Coding change: c.1696dup on transcript NM_001321075.3 (MANE Select); coding-DNA position 1696, one base duplicated (A; older notation c.1696dupA).
Protein change: p.Thr566fs; shifts the reading frame from threonine 566.
Molecular consequence: frameshift variant. On other transcripts: non-coding transcript variant (1).
Genome position (GRCh38, 1-based): chr17:7,193,115, T duplicated on the plus strand (A on the coding strand, the reverse complement: DLG4 is on the minus strand). VCF-style (leftmost placement, unchanged base first): chr17-7193114-G-GT. GRCh37 (hg19) VCF-style: chr17-7096433-G-GT.
Other names: c.1516dup, p.Thr506fs (NM_001321076.3, NM_001321077.3); c.1825dup, p.Thr609Asnfs (NM_001365.5); c.1615dup, p.Thr539fs (NM_001369566.3); c.1687dup, p.Thr563fs (NM_001128827.4); c.1816dup, p.Thr606fs (NM_001321074.1); short protein forms T506fs, T539fs, T563fs, T566fs, T606fs, T609fs.
Identifiers: ClinVar variation 2573015 (VCV002573015.1), dbSNP rs2507919052, ClinGen allele CA2580613969.
Genomic context (GRCh38, chr17:7,193,114, plus strand): 5'-CGGGACGACACAAAGTGGTAATCCCGGCCATCTATCTCATACTCCCGCTTGGGCCGTGTC[G>GT]TATCTGCCAGGAAGTCACCCCACCCCCCAAAGATCTAACCACCATCCCTCTAGCTTAAAT-3'